The following is an entry in ClinVar:

ClinVar aggregate classification (germline): Uncertain significance (1 of 4 stars; one submission).

gnomAD v4.1: 1 of 1,613,864 alleles (0.000062%); highest among the groups gnomAD compares: East Asian, 0.0022%; no homozygotes.

Submission:

Women's Health and Genetics/Laboratory Corporation of America, LabCorp
Classification: Uncertain significance. Last evaluated: 2026-03-18. Review status: criteria provided, single submitter. Criteria: LabCorp Variant Classification Summary - May 2015. Collection method: clinical testing. Allele origin: germline.
Comment: Variant summary: SHOX c.560C>T (p.Thr187Ile) results in a non-conservative amino acid change in the encoded protein sequence. Algorithms developed to predict the effect of missense changes on protein structure and function are either unavailable or do not agree on the potential impact of this missense change. The variant was absent in 251152 control chromosomes. The available data on variant occurrences in the general population are insufficient to allow any conclusion about variant significance. To our knowledge, no occurrence of c.560C>T in individuals affected with SHOX-related conditions and no experimental evidence demonstrating its impact on protein function have been reported. ClinVar contains an entry for this variant (Variation ID: 3896606). Based on the evidence outlined above, the variant was classified as uncertain significance.

NM_000451.4(SHOX):c.560C>T (p.Thr187Ile)

Gene: SHOX (SHOX homeobox; plus strand). Cytogenetic location: Xp22.33.
Variant type: single nucleotide variant.
Coding change: c.560C>T on transcript NM_000451.4 (MANE Select); coding-DNA position 560, C replaced by T.
Protein change: p.Thr187Ile; replaces threonine 187 with isoleucine.
Molecular consequence: missense variant.
Genome position (GRCh38, 1-based): chrX:641,014, C>T. VCF-style: chrX-641014-C-T. GRCh37 (hg19) VCF-style: chrX-601749-C-T.
Other names: c.560C>T, p.Thr187Ile (NM_006883.2); short protein forms T187I.
Identifiers: ClinVar variation 3896606 (VCV003896606.3).
Genomic context (GRCh38, chrX:641,014, plus strand): 5'-TACACCCAGGACCACCACACTGACACCTGCTCCCTTTGGACACAGGCGTCATCTTGGGCA[C>T]AGCCAACCACCTAGACGCCTGCCGAGTGGCACCCTACGTCAACATGGGAGCCTTACGGAT-3'
Protein context (NP_000442.1, residues 177-197): NQMHKGVILG[Thr187Ile]ANHLDACRVA